The following is an entry in ClinVar:

NM_001848.3(COL6A1):c.2187C>T (p.Asp729=)

Gene: COL6A1 (collagen type VI alpha 1 chain; plus strand). Cytogenetic location: 21q22.3.
Variant type: single nucleotide variant.
Coding change: c.2187C>T on transcript NM_001848.3 (MANE Select); coding-DNA position 2187, C replaced by T.
Protein change: p.Asp729=; no amino-acid change (aspartic acid 729 retained).
Molecular consequence: synonymous variant.
Genome position (GRCh38, 1-based): chr21:46,002,338, C>T. VCF-style: chr21-46002338-C-T. GRCh37 (hg19) VCF-style: chr21-47422252-C-T.
Other names: p.Asp729=.
Identifiers: ClinVar variation 508782 (VCV000508782.23), dbSNP rs369502543, ClinGen allele CA10070786.

ClinVar aggregate classification (germline): Conflicting classifications of pathogenicity. Review status: criteria provided, conflicting classifications (1 of 4 stars). 5 submissions from 5 submitters: Uncertain significance (1); Likely benign (4). Last evaluated 2025-11-11.

Conditions:
Bethlem myopathy 1A. Also called: Bethlem myopathy 1; Bethlem Muscular Dystrophy; MYOPATHY, BENIGN CONGENITAL, WITH CONTRACTURES. Identifiers: Orphanet 610, MedGen CN029274, MONDO:0024530, OMIM 158810.

Allele frequency attached by ClinVar (database versions not stated): gnomAD exomes 0.00003; ExAC 0.00006; ESP Exome Variant Server 0.00008; TOPMed 0.00028; gnomAD 0.00031 and 0.00034; 1000 Genomes Project 0.00040; 1000 Genomes Project 30x 0.00047.
gnomAD v4.1: 84 of 1,591,478 alleles (0.0053%); highest among the groups gnomAD compares: African/African-American, 0.1%; no homozygotes.

Submissions (5):

Labcorp Genetics (formerly Invitae), Labcorp
Classification: Likely benign for Bethlem myopathy 1A. Last evaluated: 2025-11-11. Review status: criteria provided, single submitter. Criteria: Invitae Variant Classification Sherloc (09022015). Collection method: clinical testing. Allele origin: germline.

CeGaT Center for Human Genetics Tuebingen
Classification: Likely benign. Last evaluated: 2025-09-01. Review status: criteria provided, single submitter. Criteria: CeGaT Center For Human Genetics Tuebingen Variant Classification Criteria Version 2. Collection method: clinical testing. Allele origin: germline. Affected: yes. Observed: 1 variant allele.
Comment: COL6A1: BP4, BP7

Mayo Clinic Laboratories, Mayo Clinic
Classification: Likely benign. Last evaluated: 2025-03-26. Review status: criteria provided, single submitter. Criteria: ACMG Guidelines, 2015. Collection method: clinical testing. Allele origin: germline. Observed: 1 variant allele.
Comment: BP4, BP7

Eurofins Ntd Llc (ga)
Classification: Uncertain significance. Last evaluated: 2017-09-14. Review status: criteria provided, single submitter. Criteria: EGL Classification Definitions 2015. Collection method: clinical testing. Allele origin: germline. Observed: 1 variant allele, 1 heterozygote.

GeneDx
Classification: Likely benign. Last evaluated: 2017-04-06. Review status: criteria provided, single submitter. Criteria: GeneDx Variant Classification (06012015). Collection method: clinical testing. Allele origin: germline. Affected: yes.
Comment: This variant is considered likely benign or benign based on one or more of the following criteria: it is a conservative change, it occurs at a poorly conserved position in the protein, it is predicted to be benign by multiple in silico algorithms, and/or has population frequency not consistent with disease.